The following is an entry in ClinVar:

NM_000213.5(ITGB4):c.3502G>A (p.Glu1168Lys)

Gene: ITGB4 (integrin subunit beta 4; plus strand). Cytogenetic location: 17q25.1.
Variant type: single nucleotide variant.
Coding change: c.3502G>A on transcript NM_000213.5 (MANE Select); coding-DNA position 3502, G replaced by A.
Protein change: p.Glu1168Lys; replaces glutamic acid 1168 with lysine.
Molecular consequence: missense variant.
Genome position (GRCh38, 1-based): chr17:75,750,707, G>A. VCF-style: chr17-75750707-G-A. GRCh37 (hg19) VCF-style: chr17-73746788-G-A.
Other names: c.3502G>A, p.Glu1168Lys (NM_001005619.2, NM_001005731.3, NM_001321123.2); short protein forms E1168K.
Identifiers: ClinVar variation 1466310 (VCV001466310.5), dbSNP rs777175509, ClinGen allele CA401075989.

ClinVar aggregate classification (germline): Uncertain significance (1 of 4 stars; one submission).

Allele frequency attached by ClinVar (database versions not stated): gnomAD exomes 0.00001; TOPMed 0.00002.
gnomAD v4.1: 8 of 1,613,366 alleles (0.0005%); highest among the groups gnomAD compares: Admixed American, 0.005%; no homozygotes.

Submission:

Labcorp Genetics (formerly Invitae), Labcorp
Classification: Uncertain significance. Last evaluated: 2025-08-21. Review status: criteria provided, single submitter. Criteria: Invitae Variant Classification Sherloc (09022015). Collection method: clinical testing. Allele origin: germline.
Comment: This sequence change replaces glutamic acid, which is acidic and polar, with lysine, which is basic and polar, at codon 1168 of the ITGB4 protein (p.Glu1168Lys). This variant is present in population databases (no rsID available, gnomAD 0.006%). This variant has not been reported in the literature in individuals affected with ITGB4-related conditions. ClinVar contains an entry for this variant (Variation ID: 1466310). Invitae Evidence Modeling of protein sequence and biophysical properties (such as structural, functional, and spatial information, amino acid conservation, physicochemical variation, residue mobility, and thermodynamic stability) has been performed for this missense variant. However, the output from this modeling did not meet the statistical confidence thresholds required to predict the impact of this variant on ITGB4 protein function. In summary, the available evidence is currently insufficient to determine the role of this variant in disease. Therefore, it has been classified as a Variant of Uncertain Significance.